The following is an entry in ClinVar:

ClinVar aggregate classification (germline): Uncertain significance (1 of 4 stars; one submission).

Conditions:
COL4A1 or COL4A2-related cerebral small vessel disease. Identifiers: Orphanet 477759, MedGen C5680103, MONDO:0018788.

Submission:

Victorian Clinical Genetics Services, Murdoch Childrens Research Institute
Classification: Uncertain significance for COL4A1 or COL4A2-related cerebral small vessel disease. Last evaluated: 2020-06-11. Review status: criteria provided, single submitter. Criteria: ACMG Guidelines, 2015. Collection method: clinical testing. Allele origin: germline. Inheritance: Autosomal dominant inheritance.
Comment: Based on the classification scheme VCGS_Germline_v1.1.1, this variant is classified as 3B-VUS. Following criteria are met: 0105 - The mechanism of disease for this gene is not clearly established. There are only a few reports and functional studies, however it is expected that the mechanism resembles that of the COL4A1 gene, which is both loss-of-function and dominant negative (Gly substitutions of the G-X-Y motif) (PMID: 22209246; PMID: 22209247; PMID: 24001601). (N) 0107 - This gene is known to be associated with autosomal dominant disease. (N) 0200 - Variant is predicted to result in a missense amino acid change from glycine to aspartic acid (exon 46). (N) 0251 - Variant is heterozygous. (N) 0302 - Variant is present in gnomAD <0.001 for a dominant condition (1 heterozygote, 0 homozygotes). (P) 0309 - An alternative amino acid change at the same position has been observed in gnomAD (7 heterozygotes, 0 homozygotes). (N) 0501 - Missense variant consistently predicted to be damaging by multiple in silico tools and highly conserved with a moderate amino acid change. (P) 0600 - Variant is located in an annotated domain or motif. This variant is a glycine substitution in a G-X-Y motif, however it is located at the end of the triple helix and there is conflicting evidence regarding it being in a collagen domain (PRK07764 super family; NCBI, PDB, Decipher). (N) 0705 - No comparable variants have previous evidence for pathogenicity. (N) 0807 - Variant has not previously been reported in a clinical context. (N) 0905 - No segregation evidence has been identified for this variant. (N) 1007 - No published functional evidence has been identified for this variant. (N) Legend: (P) - Pathogenic, (N) - Neutral, (B) - Benign

Literature cited by the submitters: PubMed 22209246; PubMed 22209247; PubMed 24001601.

NM_001846.4(COL4A2):c.4448G>A (p.Gly1483Asp)

Genes: COL4A2 (collagen type IV alpha 2 chain; plus strand), COL4A2-AS1 (COL4A2 antisense RNA 1; minus strand). Cytogenetic location: 13q34.
Variant type: single nucleotide variant.
Coding change: c.4448G>A on transcript NM_001846.4 (MANE Select); coding-DNA position 4448, G replaced by A.
Protein change: p.Gly1483Asp; replaces glycine 1483 with aspartic acid.
Molecular consequence: missense variant.
Genome position (GRCh38, 1-based): chr13:110,506,460, G>A. VCF-style: chr13-110506460-G-A. GRCh37 (hg19) VCF-style: chr13-111158807-G-A.
Other names: short protein forms G1483D.
Identifiers: ClinVar variation 1805720 (VCV001805720.1), dbSNP rs912915196, ClinGen allele CA256311369.